The following is an entry in ClinVar:

ClinVar aggregate classification (germline): Uncertain significance (1 of 4 stars; one submission).

Conditions:
Ataxia-telangiectasia syndrome (AT). Also called: LOUIS-BAR SYNDROME; Cerebello-oculocutaneous telangiectasia; Immunodeficiency with ataxia telangiectasia; Ataxia-telangiectasia, complementation group D; AT, COMPLEMENTATION GROUP C; ATAXIA-TELANGIECTASIA, COMPLEMENTATION GROUP A. Identifiers: Orphanet 100, MedGen C0004135, MONDO:0008840, OMIM 208900.

Submission:

Labcorp Genetics (formerly Invitae), Labcorp
Classification: Uncertain significance for Ataxia-telangiectasia syndrome. Last evaluated: 2025-04-11. Review status: criteria provided, single submitter. Criteria: Invitae Variant Classification Sherloc (09022015). Collection method: clinical testing. Allele origin: germline.
Comment: This sequence change replaces threonine, which is neutral and polar, with alanine, which is neutral and non-polar, at codon 2921 of the ATM protein (p.Thr2921Ala). This variant is not present in population databases (gnomAD no frequency). This variant has not been reported in the literature in individuals affected with ATM-related conditions. Invitae Evidence Modeling of protein sequence and biophysical properties (such as structural, functional, and spatial information, amino acid conservation, physicochemical variation, residue mobility, and thermodynamic stability) indicates that this missense variant is not expected to disrupt ATM protein function with a negative predictive value of 95%. In summary, the available evidence is currently insufficient to determine the role of this variant in disease. Therefore, it has been classified as a Variant of Uncertain Significance.

NM_000051.4(ATM):c.8761A>G (p.Thr2921Ala)

Genes: ATM (ATM serine/threonine kinase; plus strand), C11orf65 (chromosome 11 open reading frame 65; minus strand). Cytogenetic location: 11q22.3.
Variant type: single nucleotide variant.
Coding change: c.8761A>G on transcript NM_000051.4 (MANE Select); coding-DNA position 8761, A replaced by G.
Protein change: p.Thr2921Ala; replaces threonine 2921 with alanine.
Molecular consequence: missense variant. On other transcripts: intron variant (2).
Genome position (GRCh38, 1-based): chr11:108,353,855, A>G. VCF-style: chr11-108353855-A-G. GRCh37 (hg19) VCF-style: chr11-108224582-A-G.
Other names: c.8761A>G, p.Thr2921Ala (NM_001351834.2); c.640+32065T>C (NM_001330368.2); c.695-18563T>C (NM_001351110.2); short protein forms T2921A.
Identifiers: ClinVar variation 4747278 (VCV004747278.1).